The following is an entry in ClinVar:

ClinVar aggregate classification (germline): Likely pathogenic (1 of 4 stars; one submission).

Submission:

Quest Diagnostics Nichols Institute San Juan Capistrano
Classification: Likely pathogenic. Last evaluated: 2021-07-01. Review status: criteria provided, single submitter. Criteria: ACMG/ClinGen CNV Guidelines, 2019. Collection method: clinical testing. Allele origin: unknown.
Comment: The copy number loss of 2q24.1 involves a full copy of NR4A2 (OMIM 601828) and multiple exons of the 5-prime portion of GPD2 (OMIM 138430; NM_001083112.3). Although NR4A2 is not currently associated with an OMIM phenotype, de novo hemizygous deletions and heterozygous loss-of-function sequence variants of NR4A2 have been reported in individuals with mild to moderate intellectual disability, language impairment, and behavioral abnormalities. Other phenotypes may include epilepsy and early adult-onset dystonia (Singh, et al., Genetics in Medicine (2020) 22:1413?1417. PMID: 32366965; Wirth et al., Mov Disord. 2020 May;35(5):880-885. PMID: 31922365; Ramos, et al., Clin Case Rep. 2019 Jul 11;7(8):1582-1584. PMID:31428396; Levy et al., Clin Genet. 2018 Aug;94(2):264-268. PMID: 29770430; Reuter et al., Am J Med Genet A. 2017 Aug;173(8):2231-2234. PMID: 28544326; Leppa et al., Am J Hum Genet. 2016 Sep 1;99(3):540-554. PMID: 27569545). Additionally, heterozygous sequence variants of NR4A2 have been identified in individuals with other neuropsychiatric phenotypes, such as schizophrenia and Parkinson's disease (Chen et al. Am J Med Genet. 2001 Dec 8;105(8):753-7. PMID: 11803525; Buervenich et al., Am J Med Genet. 2000 Dec 4;96(6):808-13. PMID: 11121187; Le et al., Nat Genet. 2003 Jan;33(1):85-9. PMID: 12496759; Sleiman et al., Neurosci Lett. 2009 Jun 26;457(2):75-9. PMID: 19429166; Liu et al., Eur J Neurol. 2013 Mar;20(3):584-7. PMID: 22827504; Grimes et al., Mov Disord. 2006 Jul;21(7):906-9. PMID: 16532445). Further, heterozygous missense variants of GPD2 are associated with autosomal dominant susceptibility to type 2 diabetes mellitus (OMIM 125853) and a de novo intronic variant predicted to disrupt splicing was identified in an individual with autism spectrum disorder (Satterstrom et al., Cell. 2020 Feb 6;180(3):568-584.e23. PMID: 31981491). There are no overlapping copy number losses of this region in the general populations of the Database of Genomic Variants (DGV). Thus, this copy number variant (CNVs) is interpreted as likely pathogenic.

GRCh37/hg19 2q24.1(chr2:156996368-157372032)x1

Genes: GPD2 (glycerol-3-phosphate dehydrogenase 2; plus strand), NR4A2 (nuclear receptor subfamily 4 group A member 2; minus strand). Cytogenetic location: 2q24.1.
Variant type: copy number loss.
Change: copy number 1 (one copy instead of two) of chr2:156,996,368-157,372,032 (375.7 kb, GRCh37 coordinates, 1-based), cytogenetic band 2q24.1.
Identifiers: ClinVar variation 1807710 (VCV001807710.1).